The following is an entry in ClinVar:

ClinVar aggregate classification (germline): Uncertain significance. Review status: criteria provided, multiple submitters, no conflicts (2 of 4 stars). 2 submissions from 2 submitters: Uncertain significance (2). Last evaluated 2025-11-26.

Conditions:
Inborn genetic diseases. Identifiers: MedGen C0950123, MeSH D030342.

Allele frequency attached by ClinVar (database versions not stated): gnomAD exomes 0.00004 and 0.00002; ExAC 0.00004; gnomAD 0.00010 and 0.00011; ESP Exome Variant Server 0.00017; TOPMed 0.00014.
gnomAD v4.1: 40 of 1,608,366 alleles (0.0025%); highest among the groups gnomAD compares: African/African-American, 0.051%; no homozygotes.

Submissions (2):

Ambry Genetics
Classification: Uncertain significance for Inborn genetic diseases. Last evaluated: 2025-11-26. Review status: criteria provided, single submitter. Criteria: Ambry Variant Classification Scheme 2023. Collection method: clinical testing. Allele origin: germline.

Women's Health and Genetics/Laboratory Corporation of America, LabCorp
Classification: Uncertain significance. Last evaluated: 2020-05-08. Review status: criteria provided, single submitter. Criteria: LabCorp Variant Classification Summary - May 2015. Collection method: clinical testing. Allele origin: germline.
Comment: Variant summary: ADGRG6 c.2143G>A (p.Gly715Arg) results in a non-conservative amino acid change in the encoded protein sequence. Four of five in-silico tools predict a benign effect of the variant on protein function. The variant allele was found at a frequency of 6.2e-05 in 390008 control chromosomes, predominantly reported in the African subpopulation with a frequency of 0.00038 (i.e. 22/57406 alleles) in the gnomAD database (gnomAD v2.1 exomes dataset and gnomAD v3 genomes dataset). The available data on variant occurrences in the general population are insufficient to allow any conclusion about variant significance. To our knowledge, no occurrence of c.2143G>A in individuals affected with Lethal Congenital Contracture Syndrome 9 and no experimental evidence demonstrating its impact on protein function have been reported. No clinical diagnostic laboratories have submitted clinical-significance assessments for this variant to ClinVar after 2014. Based on the evidence outlined above, the variant was classified as uncertain significance.

NM_198569.3(ADGRG6):c.2143G>A (p.Gly715Arg)

Gene: ADGRG6 (adhesion G protein-coupled receptor G6; plus strand). Cytogenetic location: 6q24.2.
Variant type: single nucleotide variant.
Coding change: c.2143G>A on transcript NM_198569.3 (MANE Select); coding-DNA position 2143, G replaced by A.
Protein change: p.Gly715Arg; replaces glycine 715 with arginine.
Molecular consequence: missense variant.
Genome position (GRCh38, 1-based): chr6:142,405,703, G>A. VCF-style: chr6-142405703-G-A. GRCh37 (hg19) VCF-style: chr6-142726840-G-A.
Other names: c.2059G>A, p.Gly687Arg (NM_001032394.3, NM_001032395.3); c.2143G>A, p.Gly715Arg (NM_020455.6); short protein forms G687R, G715R.
Identifiers: ClinVar variation 932187 (VCV000932187.2), dbSNP rs372427661, ClinGen allele CA4027120.